The following is an entry in ClinVar:

ClinVar aggregate classification (germline): Uncertain significance. Review status: criteria provided, multiple submitters, no conflicts (2 of 4 stars). 2 submissions from 2 submitters: Uncertain significance (2). Last evaluated 2026-01-21.

Allele frequency attached by ClinVar (database versions not stated): ExAC 0.00001; TOPMed 0.00001; gnomAD 0.00002; gnomAD exomes 0.00003.
gnomAD v4.1: 49 of 1,613,996 alleles (0.003%); highest among the groups gnomAD compares: Non-Finnish European, 0.0041%; no homozygotes.

Submissions (2):

Labcorp Genetics (formerly Invitae), Labcorp
Classification: Uncertain significance. Last evaluated: 2026-01-21. Review status: criteria provided, single submitter. Criteria: Invitae Variant Classification Sherloc (09022015). Collection method: clinical testing. Allele origin: germline.
Comment: This sequence change replaces proline, which is neutral and non-polar, with serine, which is neutral and polar, at codon 752 of the MICAL1 protein (p.Pro752Ser). This variant is present in population databases (rs750203059, gnomAD 0.0009%). This variant has not been reported in the literature in individuals affected with MICAL1-related conditions. ClinVar contains an entry for this variant (Variation ID: 1989463). An algorithm developed to predict the effect of missense changes on protein structure and function (PolyPhen-2) suggests that this variant is likely to be tolerated. In summary, the available evidence is currently insufficient to determine the role of this variant in disease. Therefore, it has been classified as a Variant of Uncertain Significance.

Ambry Genetics
Classification: Uncertain significance. Last evaluated: 2025-04-04. Review status: criteria provided, single submitter. Criteria: Ambry Variant Classification Scheme 2023. Collection method: clinical testing. Allele origin: germline.

NM_022765.4(MICAL1):c.2197C>T (p.Pro733Ser)

Gene: MICAL1 (microtubule associated monooxygenase, calponin and LIM domain containing 1; minus strand). Cytogenetic location: 6q21.
Variant type: single nucleotide variant.
Coding change: c.2197C>T on transcript NM_022765.4 (MANE Select); coding-DNA position 2197, C replaced by T.
Protein change: p.Pro733Ser; replaces proline 733 with serine.
Molecular consequence: missense variant.
Genome position (GRCh38, 1-based): chr6:109,447,103, G>A on the plus strand (C>T on the coding strand, the complement: MICAL1 is on the minus strand). VCF-style: chr6-109447103-G-A. GRCh37 (hg19) VCF-style: chr6-109768306-G-A.
Other names: c.2197C>T (NM_022765.3); c.1939C>T, p.Pro647Ser (NM_001159291.2); c.2254C>T, p.Pro752Ser (NM_001286613.2); short protein forms P647S, P733S, P752S.
Identifiers: ClinVar variation 1989463 (VCV001989463.7), dbSNP rs750203059, ClinGen allele CA3953028.
Genomic context (GRCh38, chr6:109,447,103, plus strand): 5'-TCTCTCTGGAGGTCTCCCAGGCCCACTCACCATCTCCTGGGTGCTGCTCGTAGCCACCTG[G>A]CCACAGTGTGGCCTCACAGGTATGGCAGCGGAAGCAGCTCCGGTGGAAGAAATGGCCGTT-3'
Protein context (NP_073602.3, residues 723-743): RCHTCEATLW[Pro733Ser]GGYEQHPGDG